The following is an entry in ClinVar:

NM_000059.4(BRCA2):c.1556G>A (p.Ser519Asn)

Gene: BRCA2 (BRCA2 DNA repair associated; plus strand). Cytogenetic location: 13q13.1.
Variant type: single nucleotide variant.
Coding change: c.1556G>A on transcript NM_000059.4 (MANE Select); coding-DNA position 1556, G replaced by A.
Protein change: p.Ser519Asn; replaces serine 519 with asparagine.
Molecular consequence: missense variant.
Genome position (GRCh38, 1-based): chr13:32,333,034, G>A. VCF-style: chr13-32333034-G-A. GRCh37 (hg19) VCF-style: chr13-32907171-G-A.
Other names: c.1556G>A, p.Ser519Asn (NM_001406719.1, NM_001406720.1, NM_001406721.1); short protein forms S519N.
Identifiers: ClinVar variation 2188763 (VCV002188763.11), dbSNP rs2548520519, ClinGen allele CA387764680.

ClinVar aggregate classification (germline): Conflicting classifications of pathogenicity. Review status: criteria provided, conflicting classifications (1 of 4 stars). 6 submissions from 6 submitters: Uncertain significance (4); Likely benign (2). Last evaluated 2024-12-12.

Conditions:
Familial colorectal cancer type X. Identifiers: Orphanet 440437, MedGen C3896578, MONDO:0018604.
Nephroblastoma. Also called: Wilms' tumor; Wilms tumor. Identifiers: Orphanet 654, MedGen C0027708, MeSH D009396, MONDO:0006058, HP:0002667.
Hereditary cancer-predisposing syndrome. Also called: Hereditary Cancer Syndrome; Tumor predisposition; Hereditary neoplastic syndrome; Neoplastic Syndromes, Hereditary. Identifiers: Orphanet 140162, MedGen C0027672, MeSH D009386, MONDO:0015356.
Hereditary breast ovarian cancer syndrome. Also called: Hereditary breast and ovarian cancer syndrome; Hereditary breast and/or ovarian cancer syndrome; Hereditary breast and ovarian cancer syndrome (HBOC); Hereditary breast and ovarian cancer; Breast and ovarian cancer; BRCA1- and BRCA2-Associated Hereditary Breast and Ovarian Cancer. Identifiers: Orphanet 145, MedGen C0677776, MeSH D061325, MONDO:0003582. Disease mechanism: loss of function.

Submissions (6):

Labcorp Genetics (formerly Invitae), Labcorp
Classification: Uncertain significance for Hereditary breast ovarian cancer syndrome. Last evaluated: 2024-12-12. Review status: criteria provided, single submitter. Criteria: Invitae Variant Classification Sherloc (09022015). Collection method: clinical testing. Allele origin: germline.
Comment: This sequence change replaces serine, which is neutral and polar, with asparagine, which is neutral and polar, at codon 519 of the BRCA2 protein (p.Ser519Asn). This variant is not present in population databases (gnomAD no frequency). This variant has not been reported in the literature in individuals affected with BRCA2-related conditions. ClinVar contains an entry for this variant (Variation ID: 2188763). Invitae Evidence Modeling of protein sequence and biophysical properties (such as structural, functional, and spatial information, amino acid conservation, physicochemical variation, residue mobility, and thermodynamic stability) indicates that this missense variant is not expected to disrupt BRCA2 protein function with a negative predictive value of 95%. In summary, the available evidence is currently insufficient to determine the role of this variant in disease. Therefore, it has been classified as a Variant of Uncertain Significance.

Ambry Genetics
Classification: Likely benign for Hereditary cancer-predisposing syndrome. Last evaluated: 2023-11-06. Review status: criteria provided, single submitter. Criteria: Ambry Variant Classification Scheme 2023. Collection method: clinical testing. Allele origin: germline.

University of Washington Department of Laboratory Medicine, University of Washington
Classification: Likely benign for Hereditary cancer-predisposing syndrome. Last evaluated: 2023-03-23. Review status: criteria provided, single submitter. Criteria: Dines et al. (Genet Med. 2020). Collection method: curation. Allele origin: germline.
Comment: Missense variant in a coldspot region where missense variants are very unlikely to be pathogenic (PMID:31911673).

BRCA2 exon 10 coldspot. Reclassification based on statistical prior probability.

Color Diagnostics, LLC DBA Color Health
Classification: Uncertain significance for Hereditary cancer-predisposing syndrome. Last evaluated: 2022-12-27. Review status: criteria provided, single submitter. Criteria: ACMG Guidelines, 2015. Collection method: clinical testing. Allele origin: germline.
Comment: This missense variant replaces serine with asparagine at codon 519 of the BRCA2 protein. Computational prediction suggests that this variant may not impact protein structure and function (internally defined REVEL score threshold <= 0.5, PMID: 27666373). To our knowledge, functional studies have not been reported for this variant. This variant has not been reported in individuals affected with BRCA2-related disorders in the literature. This variant has not been identified in the general population by the Genome Aggregation Database (gnomAD). The available evidence is insufficient to determine the role of this variant in disease conclusively. Therefore, this variant is classified as a Variant of Uncertain Significance.

Quest Diagnostics Nichols Institute San Juan Capistrano
Classification: Uncertain significance. Last evaluated: 2022-12-15. Review status: criteria provided, single submitter. Criteria: Quest Diagnostics criteria. Collection method: clinical testing. Allele origin: unknown.
Comment: This variant has not been reported in the published literature. It also has not been reported in large, multi-ethnic general populations. Analysis of this variant using bioinformatics tools for the prediction of the effect of amino acid changes on protein structure and function yielded predictions that this variant is benign. Additional analysis using software algorithms for the prediction of the effect of nucleotide changes on BRCA2 mRNA splicing yielded predictions that this variant may result in the gain of a cryptic splice site without affecting the natural splice sites . Based on the available information, we are unable to determine the clinical significance of this variant.

Department of Pathology and Laboratory Medicine, Sinai Health System
Classification: Uncertain significance for Nephroblastoma; Familial colorectal cancer type X. Last evaluated: 2021-05-20. Review status: criteria provided, single submitter. Criteria: ACMG Guidelines, 2015. Collection method: clinical testing. Allele origin: germline. Affected: yes.